The following is an entry in ClinVar:

NM_174936.4(PCSK9):c.780G>A (p.Thr260=)

Gene: PCSK9 (proprotein convertase subtilisin/kexin type 9; plus strand). Cytogenetic location: 1p32.3.
Variant type: single nucleotide variant.
Coding change: c.780G>A on transcript NM_174936.4 (MANE Select); coding-DNA position 780, G replaced by A.
Protein change: p.Thr260=; no amino-acid change (threonine 260 retained).
Molecular consequence: synonymous variant. On other transcripts: non-coding transcript variant (8).
Genome position (GRCh38, 1-based): chr1:55,052,772, G>A. VCF-style: chr1-55052772-G-A. GRCh37 (hg19) VCF-style: chr1-55518445-G-A.
Other names: c.903G>A, p.Thr301= (NM_001407240.1); c.780G>A, p.Thr260= (NM_001407241.1, NM_001407244.1, NM_001407247.1); c.783G>A, p.Thr261= (NM_001407242.1); c.723G>A, p.Thr241= (NM_001407243.1); c.588G>A, p.Thr196= (NM_001407245.1); c.405G>A, p.Thr135= (NM_001407246.1).
Identifiers: ClinVar variation 919543 (VCV000919543.15), dbSNP rs1397743766, ClinGen allele CA418181210.

ClinVar aggregate classification (germline): Likely benign. Review status: criteria provided, multiple submitters, no conflicts (2 of 4 stars). 4 submissions from 4 submitters: Likely benign (4). Last evaluated 2024-04-03.

Conditions:
Cardiovascular phenotype. Identifiers: MedGen CN230736.
Familial hypercholesterolemia. Also called: Familial hypercholesterolemias; Familial hypercholesterolaemia. Identifiers: MedGen C0020445, MONDO:0005439.
Hypercholesterolemia, autosomal dominant, 3 (FHCL3). Also called: Familial hypercholesterolemia 3; Familial Hypercholesterolemia, Autosomal Dominant, 3; PCSK9-Related Familial Hypercholesterolemia, Autosomal Dominant. Identifiers: MedGen C1863551, MONDO:0011369, OMIM 603776.

Allele frequency attached by ClinVar (database versions not stated): gnomAD exomes below 0.00001; TOPMed 0.00001.
gnomAD v4.1: 13 of 1,613,022 alleles (0.00081%); highest among the groups gnomAD compares: East Asian, 0.0022%; no homozygotes.

Submissions (4):

Labcorp Genetics (formerly Invitae), Labcorp
Classification: Likely benign for Hypercholesterolemia, autosomal dominant, 3. Last evaluated: 2024-04-03. Review status: criteria provided, single submitter. Criteria: Invitae Variant Classification Sherloc (09022015). Collection method: clinical testing. Allele origin: germline.

All of Us Research Program, National Institutes of Health
Classification: Likely benign for Hypercholesterolemia, autosomal dominant, 3. Last evaluated: 2023-12-18. Review status: criteria provided, single submitter. Criteria: ACMG Guidelines, 2015. Collection method: clinical testing. Allele origin: germline. Inheritance: Autosomal dominant inheritance. Observed: 3 variant alleles, 3 heterozygotes.
Comment: This study involves interpretation of variants in research participants for the purpose of population health screening. Participant phenotype was not available at the time of variant classification. Additional details can be found in publication PMID: 35346344, PMCID: PMC8962531

Ambry Genetics
Classification: Likely benign for Cardiovascular phenotype. Last evaluated: 2022-03-09. Review status: criteria provided, single submitter. Criteria: Ambry Variant Classification Scheme 2023. Collection method: clinical testing. Allele origin: germline.

Color Diagnostics, LLC DBA Color Health
Classification: Likely benign for Familial hypercholesterolemia. Last evaluated: 2019-07-27. Review status: criteria provided, single submitter. Criteria: ACMG Guidelines, 2015. Collection method: clinical testing. Allele origin: germline.